The following is an entry in ClinVar:

NM_018238.4(AGK):c.222-2A>C

Gene: AGK (acylglycerol kinase; plus strand). Cytogenetic location: 7q34.
Variant type: single nucleotide variant.
Coding change: c.222-2A>C on transcript NM_018238.4 (MANE Select); the canonical splice acceptor site of the intron before coding-DNA position 222, A replaced by C.
Molecular consequence: splice acceptor variant.
Genome position (GRCh38, 1-based): chr7:141,601,203, A>C. VCF-style: chr7-141601203-A-C. GRCh37 (hg19) VCF-style: chr7-141301003-A-C.
Other names: c.222-2A>C (NM_001364948.3).
Identifiers: ClinVar variation 3762105 (VCV003762105.4).

ClinVar aggregate classification (germline): Likely pathogenic. Review status: criteria provided, multiple submitters, no conflicts (2 of 4 stars). 3 submissions from 3 submitters: Likely pathogenic (3). Last evaluated 2024-03-24.

Conditions:
Cataract 38. Also called: Cataract, autosomal recessive congenital 5; Cataract 38, autosomal recessive. Identifiers: Orphanet 91492, MedGen C3553494, MONDO:0013859, OMIM 614691.
Sengers syndrome. Also called: MITOCHONDRIAL DNA DEPLETION SYNDROME 10 (CARDIOMYOPATHIC TYPE); Cardiomyopathy and cataract. Identifiers: Orphanet 1369, MedGen C1859317, MONDO:0008922, OMIM 212350.
AGK-related disorder. Also called: AGK-related condition; AGK-related disorders. Identifiers: MedGen CN239194.

gnomAD v4.1: 6 of 1,608,068 alleles (0.00037%); highest among the groups gnomAD compares: South Asian, 0.0055%; no homozygotes.

Submissions (3):

Labcorp Genetics (formerly Invitae), Labcorp
Classification: Likely pathogenic for Sengers syndrome; Cataract 38. Last evaluated: 2024-03-24. Review status: criteria provided, single submitter. Criteria: Invitae Variant Classification Sherloc (09022015). Collection method: clinical testing. Allele origin: germline.
Comment: This sequence change affects an acceptor splice site in intron 4 of the AGK gene. It is expected to disrupt RNA splicing. Variants that disrupt the donor or acceptor splice site typically lead to a loss of protein function (PMID: 16199547), and loss-of-function variants in AGK are known to be pathogenic (PMID: 22284826). This variant is not present in population databases (gnomAD no frequency). This variant has not been reported in the literature in individuals affected with AGK-related conditions. Algorithms developed to predict the effect of sequence changes on RNA splicing suggest that this variant may disrupt the consensus splice site. In summary, the currently available evidence indicates that the variant is pathogenic, but additional data are needed to prove that conclusively. Therefore, this variant has been classified as Likely Pathogenic.

Blueprint Genetics
Classification: Likely pathogenic for AGK-related disorders. Last evaluated: 2023-07-26. Review status: criteria provided, single submitter. Criteria: ACMG Guidelines, 2015. Collection method: clinical testing. Allele origin: germline. Affected: yes. Observed: 1 variant allele.

Department of Pathology and Laboratory Medicine, Sinai Health System
Classification: Likely pathogenic for Sengers syndrome; Cataract 38. Last evaluated: 2023-05-10. Review status: criteria provided, single submitter. Criteria: ACMG Guidelines, 2015. Collection method: research. Allele origin: germline.

Literature cited by the submitters: PubMed 16199547 (cited by Labcorp Genetics (formerly Invitae), Labcorp); PubMed 22284826 (cited by Labcorp Genetics (formerly Invitae), Labcorp).